The following is an entry in ClinVar:

NM_002439.5(MSH3):c.3305A>G (p.Lys1102Arg)

Gene: MSH3 (mutS homolog 3; plus strand). Cytogenetic location: 5q14.1.
Variant type: single nucleotide variant.
Coding change: c.3305A>G on transcript NM_002439.5 (MANE Select); coding-DNA position 3305, A replaced by G.
Protein change: p.Lys1102Arg; replaces lysine 1102 with arginine.
Molecular consequence: missense variant.
Genome position (GRCh38, 1-based): chr5:80,875,753, A>G. VCF-style: chr5-80875753-A-G. GRCh37 (hg19) VCF-style: chr5-80171572-A-G.
Other names: c.3305A>G (NM_002439.3); short protein forms K1102R.
Identifiers: ClinVar variation 1016624 (VCV001016624.11), dbSNP rs1746297454, ClinGen allele CA360347264.

ClinVar aggregate classification (germline): Uncertain significance. Review status: criteria provided, multiple submitters, no conflicts (2 of 4 stars). 2 submissions from 2 submitters: Uncertain significance (2). Last evaluated 2026-02-03.

Conditions:
Hereditary cancer-predisposing syndrome. Also called: Hereditary Cancer Syndrome; Tumor predisposition; Neoplastic Syndromes, Hereditary; Hereditary neoplastic syndrome. Identifiers: Orphanet 140162, MedGen C0027672, MeSH D009386, MONDO:0015356.

Allele frequency attached by ClinVar (database versions not stated): gnomAD exomes below 0.00001.
gnomAD v4.1: 1 of 1,597,244 alleles (0.000063%); highest among the groups gnomAD compares: Non-Finnish European, 0.000086%; no homozygotes.

Submissions (2):

Labcorp Genetics (formerly Invitae), Labcorp
Classification: Uncertain significance. Last evaluated: 2026-02-03. Review status: criteria provided, single submitter. Criteria: Invitae Variant Classification Sherloc (09022015). Collection method: clinical testing. Allele origin: germline.
Comment: This sequence change replaces lysine, which is basic and polar, with arginine, which is basic and polar, at codon 1102 of the MSH3 protein (p.Lys1102Arg). This variant is not present in population databases (gnomAD no frequency). This variant has not been reported in the literature in individuals affected with MSH3-related conditions. ClinVar contains an entry for this variant (Variation ID: 1016624). An algorithm developed to predict the effect of missense changes on protein structure and function (PolyPhen-2) suggests that this variant is likely to be tolerated. RNA analysis performed to evaluate the impact of this missense change on mRNA splicing indicates it does not significantly alter splicing (internal data). In summary, the available evidence is currently insufficient to determine the role of this variant in disease. Therefore, it has been classified as a Variant of Uncertain Significance.

Ambry Genetics
Classification: Uncertain significance for Hereditary cancer-predisposing syndrome. Last evaluated: 2025-01-07. Review status: criteria provided, single submitter. Criteria: Ambry Variant Classification Scheme 2023. Collection method: clinical testing. Allele origin: germline.
Comment: The p.K1102R variant (also known as c.3305A>G), located in coding exon 24 of the MSH3 gene, results from an A to G substitution at nucleotide position 3305. The lysine at codon 1102 is replaced by arginine, an amino acid with highly similar properties. This amino acid position is well conserved in available vertebrate species. In addition, this alteration is predicted to be tolerated by in silico analysis. Based on the available evidence, the clinical significance of this variant remains unclear.